The following is an entry in ClinVar:

NM_005732.4(RAD50):c.2083C>T (p.Gln695Ter)

Gene: RAD50 (RAD50 double strand break repair protein; plus strand). Cytogenetic location: 5q31.1.
Variant type: single nucleotide variant.
Coding change: c.2083C>T on transcript NM_005732.4 (MANE Select); coding-DNA position 2083, C replaced by T.
Protein change: p.Gln695Ter; replaces glutamine 695 with a stop codon.
Molecular consequence: nonsense.
Genome position (GRCh38, 1-based): chr5:132,595,686, C>T. VCF-style: chr5-132595686-C-T. GRCh37 (hg19) VCF-style: chr5-131931378-C-T.
Other names: short protein forms Q695*.
Identifiers: ClinVar variation 820680 (VCV000820680.4), dbSNP rs777678214, ClinGen allele CA360949928.

ClinVar aggregate classification (germline): Pathogenic (1 of 4 stars; one submission).

Conditions:
Hereditary cancer-predisposing syndrome. Also called: Neoplastic Syndromes, Hereditary; Tumor predisposition; Hereditary Cancer Syndrome; Hereditary neoplastic syndrome. Identifiers: Orphanet 140162, MedGen C0027672, MeSH D009386, MONDO:0015356.

Allele frequency attached by ClinVar (database versions not stated): TOPMed below 0.00001; gnomAD 0.00001.
gnomAD v4.1: 2 of 1,613,694 alleles (0.00012%); highest among the groups gnomAD compares: Non-Finnish European, 0.00017%; no homozygotes.

Submission:

Ambry Genetics
Classification: Pathogenic for Hereditary cancer-predisposing syndrome. Last evaluated: 2018-05-17. Review status: criteria provided, single submitter. Criteria: Ambry Variant Classification Scheme 2023. Collection method: clinical testing. Allele origin: germline.
Comment: The p.Q695* variant (also known as c.2083C>T), located in coding exon 13 of the RAD50 gene, results from a C to T substitution at nucleotide position 2083. This changes the amino acid from a glutamine to a stop codon within coding exon 13. This alteration is expected to result in loss of function by premature protein truncation or nonsense-mediated mRNA decay. As such, this alteration is interpreted as a disease-causing mutation.